The following is an entry in ClinVar:

ClinVar aggregate classification (germline): Uncertain significance (1 of 4 stars; one submission).

Allele frequency attached by ClinVar (database versions not stated): gnomAD exomes below 0.00001; TOPMed below 0.00001; gnomAD 0.00001.
gnomAD v4.1: 5 of 1,613,926 alleles (0.00031%); highest among the groups gnomAD compares: Non-Finnish European, 0.00034%; no homozygotes.

Submission:

GeneDx
Classification: Uncertain significance. Last evaluated: 2026-05-19. Review status: criteria provided, single submitter. Criteria: GeneDx Variant Classification Process June 2021. Collection method: clinical testing. Allele origin: germline.
Comment: Not observed at significant frequency in large population cohorts (gnomAD); In silico analysis supports that this missense variant has a deleterious effect on protein structure/function; Has not been previously published as pathogenic or benign to our knowledge

NM_001394998.1(TANC2):c.5603C>T (p.Pro1868Leu)

Gene: TANC2 (tetratricopeptide repeat, ankyrin repeat and coiled-coil containing 2; plus strand). Cytogenetic location: 17q23.3.
Variant type: single nucleotide variant.
Coding change: c.5603C>T on transcript NM_001394998.1 (MANE Select); coding-DNA position 5603, C replaced by T.
Protein change: p.Pro1868Leu; replaces proline 1868 with leucine.
Molecular consequence: missense variant.
Genome position (GRCh38, 1-based): chr17:63,421,333, C>T. VCF-style: chr17-63421333-C-T. GRCh37 (hg19) VCF-style: chr17-61498694-C-T.
Other names: c.5381C>T, p.Pro1794Leu (NM_001411076.1); c.5351C>T, p.Pro1784Leu (NM_025185.4); short protein forms P1784L, P1794L, P1868L.
Identifiers: ClinVar variation 2412989 (VCV002412989.3), dbSNP rs1166814116, ClinGen allele CA400546771.